The following is an entry in ClinVar:

NM_001277313.2(FMN1):c.2044-1818A>G

Gene: FMN1 (formin 1; minus strand). Cytogenetic location: 15q13.3.
Variant type: single nucleotide variant.
Coding change: c.2044-1818A>G on transcript NM_001277313.2 (MANE Select); 1818 bases into the intron before coding-DNA position 2044, A replaced by G.
Molecular consequence: intron variant. On other transcripts: synonymous variant (1).
Genome position (GRCh38, 1-based): chr15:33,066,892, T>C on the plus strand (A>G on the coding strand, the complement: FMN1 is on the minus strand). VCF-style: chr15-33066892-T-C. GRCh37 (hg19) VCF-style: chr15-33359093-T-C.
Other names: c.993A>G, p.Lys331= (NM_001103184.4).
Identifiers: ClinVar variation 287874 (VCV000287874.39), dbSNP rs74655292, ClinGen allele CA7457210.
Genomic context (GRCh38, chr15:33,066,892, plus strand): 5'-AATGTTGAGCAGCAGAGAGAGCTGCTCCAGGAGAGTGGGAGTGGCCTTCGGATCAGTTGC[T>C]TTCTTCTCACTCTTCACTGTCTGCAGCCCTGCCTGCACTAAGGACTTCTGCACAGGCTGC-3'

ClinVar aggregate classification (germline): Benign/Likely benign. Review status: criteria provided, multiple submitters, no conflicts (2 of 4 stars). 4 submissions from 4 submitters: Benign (3); Likely benign (1). Last evaluated 2026-01-16.

Allele frequency attached by ClinVar (database versions not stated): 1000 Genomes Project 30x 0.00515; 1000 Genomes Project 0.00579; gnomAD exomes 0.00740 and 0.00792; ExAC 0.00747; TOPMed 0.00772; gnomAD 0.00777 and 0.00784; ESP Exome Variant Server 0.00781.
gnomAD v4.1: 12,115 of 1,613,982 alleles (0.75%); highest among the groups gnomAD compares: Middle Eastern, 1.7%; 63 homozygotes.

Submissions (4):

Labcorp Genetics (formerly Invitae), Labcorp
Classification: Benign. Last evaluated: 2026-01-16. Review status: criteria provided, single submitter. Criteria: Invitae Variant Classification Sherloc (09022015). Collection method: clinical testing. Allele origin: germline.

CeGaT Center for Human Genetics Tuebingen
Classification: Likely benign. Last evaluated: 2023-01-01. Review status: criteria provided, single submitter. Criteria: CeGaT Center For Human Genetics Tuebingen Variant Classification Criteria Version 2. Collection method: clinical testing. Allele origin: germline. Affected: yes. Observed: 2 variant alleles.
Comment: FMN1: BP4, BP7, BS2

Eurofins Ntd Llc (ga)
Classification: Benign. Last evaluated: 2016-09-02. Review status: criteria provided, single submitter. Criteria: EGL Classification Definitions 2015. Collection method: clinical testing. Allele origin: germline. Observed: 2 variant alleles, 2 heterozygotes.

Breakthrough Genomics
Classification: Benign. Review status: criteria provided, single submitter. Criteria: ACMG Guidelines, 2015. Collection method: not provided. Allele origin: germline. Inheritance: Unknown mechanism. Affected: yes.